The following is an entry in ClinVar:

ClinVar aggregate classification (germline): Uncertain significance. Review status: criteria provided, multiple submitters, no conflicts (2 of 4 stars). 3 submissions from 3 submitters: Uncertain significance (3). Last evaluated 2025-06-23.

Conditions:
Cardiomyopathy (CMYO). Also called: Cardiomyopathies. Identifiers: Orphanet 167848, MedGen C0878544, MONDO:0004994, HP:0001638. Inheritance: Various modes of inheritance.
Arrhythmogenic right ventricular dysplasia 10. Also called: Arrhythmogenic Right Ventricular Dysplasia/Cardiomyopathy10; Arrhythmogenic right ventricular dysplasia/cardiomyopathy, type 10; ARRHYTHMOGENIC RIGHT VENTRICULAR DYSPLASIA, FAMILIAL, 10. Identifiers: MedGen C1857777, MONDO:0012434, OMIM 610193.
Cardiovascular phenotype. Identifiers: MedGen CN230736.

Allele frequency attached by ClinVar (database versions not stated): gnomAD 0.00001; TOPMed 0.00002.
gnomAD v4.1: 1 of 1,613,726 alleles (0.000062%); highest among the groups gnomAD compares: African/African-American, 0.0013%; no homozygotes.

Submissions (3):

Color Diagnostics, LLC DBA Color Health
Classification: Uncertain significance for Cardiomyopathy. Last evaluated: 2025-06-23. Review status: criteria provided, single submitter. Criteria: ACMG Guidelines, 2015. Collection method: clinical testing. Allele origin: germline.
Comment: This missense variant replaces proline with threonine at codon 477 of the DSG2 protein. Computational prediction suggests that this variant may not impact protein structure and function. To our knowledge, functional studies have not been reported for this variant. This variant has not been reported in individuals affected with DSG2-related disorders in the literature. This variant has not been identified in the general population by the Genome Aggregation Database (gnomAD). The available evidence is insufficient to determine the role of this variant in disease conclusively. Therefore, this variant is classified as a Variant of Uncertain Significance.

Labcorp Genetics (formerly Invitae), Labcorp
Classification: Uncertain significance for Arrhythmogenic right ventricular dysplasia 10. Last evaluated: 2022-10-23. Review status: criteria provided, single submitter. Criteria: Invitae Variant Classification Sherloc (09022015). Collection method: clinical testing. Allele origin: germline.
Comment: This variant has not been reported in the literature in individuals affected with DSG2-related conditions. This sequence change replaces proline, which is neutral and non-polar, with threonine, which is neutral and polar, at codon 477 of the DSG2 protein (p.Pro477Thr). This variant is not present in population databases (gnomAD no frequency). Advanced modeling of protein sequence and biophysical properties (such as structural, functional, and spatial information, amino acid conservation, physicochemical variation, residue mobility, and thermodynamic stability) performed at Invitae indicates that this missense variant is not expected to disrupt DSG2 protein function. In summary, the available evidence is currently insufficient to determine the role of this variant in disease. Therefore, it has been classified as a Variant of Uncertain Significance.

Ambry Genetics
Classification: Uncertain significance for Cardiovascular phenotype. Last evaluated: 2022-09-05. Review status: criteria provided, single submitter. Criteria: Ambry Variant Classification Scheme 2023. Collection method: clinical testing. Allele origin: germline.
Comment: The p.P477T variant (also known as c.1429C>A), located in coding exon 11 of the DSG2 gene, results from a C to A substitution at nucleotide position 1429. The proline at codon 477 is replaced by threonine, an amino acid with highly similar properties. This amino acid position is conserved. In addition, this alteration is predicted to be tolerated by in silico analysis. Since supporting evidence is limited at this time, the clinical significance of this alteration remains unclear.

NM_001943.5(DSG2):c.1429C>A (p.Pro477Thr)

Gene: DSG2 (desmoglein 2; plus strand). Cytogenetic location: 18q12.1.
Variant type: single nucleotide variant.
Coding change: c.1429C>A on transcript NM_001943.5 (MANE Select); coding-DNA position 1429, C replaced by A.
Protein change: p.Pro477Thr; replaces proline 477 with threonine.
Molecular consequence: missense variant.
Genome position (GRCh38, 1-based): chr18:31,536,207, C>A. VCF-style: chr18-31536207-C-A. GRCh37 (hg19) VCF-style: chr18-29116170-C-A.
Other names: short protein forms P477T.
Identifiers: ClinVar variation 1772439 (VCV001772439.8), dbSNP rs768590596, ClinGen allele CA402141121.